The following is an entry in ClinVar:

NM_001999.4(FBN2):c.4325G>T (p.Gly1442Val)

Gene: FBN2 (fibrillin 2; minus strand). Cytogenetic location: 5q23.3.
Variant type: single nucleotide variant.
Coding change: c.4325G>T on transcript NM_001999.4 (MANE Select); coding-DNA position 4325, G replaced by T.
Protein change: p.Gly1442Val; replaces glycine 1442 with valine.
Molecular consequence: missense variant.
Genome position (GRCh38, 1-based): chr5:128,330,593, C>A on the plus strand (G>T on the coding strand, the complement: FBN2 is on the minus strand). VCF-style: chr5-128330593-C-A. GRCh37 (hg19) VCF-style: chr5-127666285-C-A.
Other names: short protein forms G1442V.
Identifiers: ClinVar variation 1700847 (VCV001700847.2), dbSNP rs1581220577, ClinGen allele CA360753872.
Genomic context (GRCh38, chr5:128,330,593, plus strand): 5'-TGACCATCCCGTCAGAGCACACCTCAGGACTGTCACCCACCTGAGCAGGTAAAGCCATCA[C>A]CAGTGAAACCTTCGGAGCAGGCACAGCGGTATGAGCCCGGGGTATTTACACACTGAGCAT-3'
Protein context (NP_001990.2, residues 1432-1452): YRCACSEGFT[Gly1442Val]DGFTCSDVDE

ClinVar aggregate classification (germline): Uncertain significance (1 of 4 stars; one submission).

Submission:

GeneDx
Classification: Uncertain significance. Last evaluated: 2022-02-15. Review status: criteria provided, single submitter. Criteria: GeneDx Variant Classification Process June 2021. Collection method: clinical testing. Allele origin: germline. Affected: yes.
Comment: Has not been previously published as pathogenic or benign to our knowledge; Not observed at significant frequency in large population cohorts (gnomAD); In silico analysis supports that this missense variant has a deleterious effect on protein structure/function; Although located in a calcium-binding EGF-like domain of the FBN2 gene, it does not affect a cysteine residue within this domain; cysteine substitutions in the calcium-binding EGF-like domains represent the majority of pathogenic missense changes associated with FBN2-related disorders (Frederic et al., 2009); This variant is associated with the following publications: (PMID: 18767143)